The following is an entry in ClinVar:

NM_031407.7(HUWE1):c.1624C>T (p.His542Tyr)

Gene: HUWE1 (HECT, UBA and WWE domain containing E3 ubiquitin protein ligase 1; minus strand). Cytogenetic location: Xp11.22.
Variant type: single nucleotide variant.
Coding change: c.1624C>T on transcript NM_031407.7 (MANE Select); coding-DNA position 1624, C replaced by T.
Protein change: p.His542Tyr; replaces histidine 542 with tyrosine.
Molecular consequence: missense variant.
Genome position (GRCh38, 1-based): chrX:53,624,643, G>A on the plus strand (C>T on the coding strand, the complement: HUWE1 is on the minus strand). VCF-style: chrX-53624643-G-A. GRCh37 (hg19) VCF-style: chrX-53651604-G-A.
Other names: c.1624C>T, p.His542Tyr (NM_001441048.1, NM_001441049.1, NM_001441051.1 and 6 more transcripts); c.1645C>T, p.His549Tyr (NM_001441050.1, NM_001441055.1); short protein forms H542Y, H549Y.
Identifiers: ClinVar variation 4822935 (VCV004822935.4).
Genomic context (GRCh38, chrX:53,624,643, plus strand): 5'-AACTCCACTTACCTAGGAGGAAGAGTGATGGGCCATAGTATTCTGCATTGCTGATGATGT[G>A]TTTCAGGGAGGTAGGCAGAGAACCATCCATCACTAAAAGAAAAGTGAACATTATGGAGAA-3'
Protein context (NP_113584.3, residues 532-552): MDGSLPTSLK[His542Tyr]IISNAEYYGP

ClinVar aggregate classification (germline): Likely benign (1 of 4 stars; one submission).

gnomAD v4.1: 1 of 1,203,883 alleles (0.000083%); highest among the groups gnomAD compares: Non-Finnish European, 0.00011%; no homozygotes.

Submission:

CeGaT Center for Human Genetics Tuebingen
Classification: Likely benign. Last evaluated: 2026-03-01. Review status: criteria provided, single submitter. Criteria: CeGaT Center For Human Genetics Tuebingen Variant Classification Criteria Version 2. Collection method: clinical testing. Allele origin: germline. Affected: yes. Observed: 2 variant alleles.
Comment: HUWE1: PM2, PP2, BS2